The following is an entry in ClinVar:

NM_017890.5(VPS13B):c.4281C>T (p.Cys1427=)

Gene: VPS13B (vacuolar protein sorting 13 homolog B; plus strand). Cytogenetic location: 8q22.2.
Variant type: single nucleotide variant.
Coding change: c.4281C>T on transcript NM_017890.5 (MANE Plus Clinical); coding-DNA position 4281, C replaced by T.
Protein change: p.Cys1427=; no amino-acid change (cysteine 1427 retained).
Molecular consequence: synonymous variant. On other transcripts: intron variant (1).
Genome position (GRCh38, 1-based): chr8:99,507,893, C>T. VCF-style: chr8-99507893-C-T. GRCh37 (hg19) VCF-style: chr8-100520121-C-T.
Other names: c.4281C>T (NM_017890.4); c.4224+690C>T (NM_152564.5).
Identifiers: ClinVar variation 589529 (VCV000589529.11), dbSNP rs1563767252, ClinGen allele CA462438874.

ClinVar aggregate classification (germline): Likely benign. Review status: criteria provided, multiple submitters, no conflicts (2 of 4 stars). 3 submissions from 3 submitters: Likely benign (2). 1 of the submissions does not count toward it. Last evaluated 2022-10-07.

Conditions:
VPS13B-related disorder. Also called: VPS13B-related condition.
Cohen syndrome (COH1). Also called: Cutis verticis gyrata, retinitis pigmentosa, and sensorineural deafness; PEPPER SYNDROME. Identifiers: Orphanet 193, MedGen C0265223, MONDO:0008999, OMIM 216550.
Inborn genetic diseases. Identifiers: MedGen C0950123, MeSH D030342.

Allele frequency attached by ClinVar (database versions not stated): TOPMed below 0.00001; gnomAD 0.00001; gnomAD exomes 0.00002.
gnomAD v4.1: 27 of 1,613,968 alleles (0.0017%); highest among the groups gnomAD compares: Non-Finnish European, 0.0023%; no homozygotes.

Submissions (3):

Labcorp Genetics (formerly Invitae), Labcorp
Classification: Likely benign for Cohen syndrome. Last evaluated: 2022-10-07. Review status: criteria provided, single submitter. Criteria: Invitae Variant Classification Sherloc (09022015). Collection method: clinical testing. Allele origin: germline.

Ambry Genetics
Classification: Likely benign for Inborn genetic diseases. Last evaluated: 2017-02-01. Review status: criteria provided, single submitter. Criteria: Ambry Variant Classification Scheme 2023. Collection method: clinical testing. Allele origin: germline.

PreventionGenetics, part of Exact Sciences
Classification: Likely benign for VPS13B-related condition. Last evaluated: 2022-02-26. Review status: no assertion criteria provided. Collection method: clinical testing. Allele origin: germline. Not counted in ClinVar's aggregate classification.
Comment: This variant is classified as likely benign based on ACMG/AMP sequence variant interpretation guidelines (Richards et al. 2015 PMID: 25741868, with internal and published modifications).